The following is an entry in ClinVar:

ClinVar aggregate classification (germline): Uncertain significance. Review status: criteria provided, multiple submitters, no conflicts (2 of 4 stars). 2 submissions from 2 submitters: Uncertain significance (2). Last evaluated 2025-07-07.

Conditions:
Hereditary cancer-predisposing syndrome. Also called: Neoplastic Syndromes, Hereditary; Tumor predisposition; Hereditary neoplastic syndrome; Hereditary Cancer Syndrome. Identifiers: Orphanet 140162, MedGen C0027672, MeSH D009386, MONDO:0015356.

Submissions (2):

Labcorp Genetics (formerly Invitae), Labcorp
Classification: Uncertain significance. Last evaluated: 2025-07-07. Review status: criteria provided, single submitter. Criteria: Invitae Variant Classification Sherloc (09022015). Collection method: clinical testing. Allele origin: germline.
Comment: This sequence change replaces alanine, which is neutral and non-polar, with threonine, which is neutral and polar, at codon 180 of the SMARCB1 protein (p.Ala180Thr). This variant is not present in population databases (gnomAD no frequency). This variant has not been reported in the literature in individuals affected with SMARCB1-related conditions. ClinVar contains an entry for this variant (Variation ID: 566524). Invitae Evidence Modeling of protein sequence and biophysical properties (such as structural, functional, and spatial information, amino acid conservation, physicochemical variation, residue mobility, and thermodynamic stability) has been performed for this missense variant. However, the output from this modeling did not meet the statistical confidence thresholds required to predict the impact of this variant on SMARCB1 protein function. In summary, the available evidence is currently insufficient to determine the role of this variant in disease. Therefore, it has been classified as a Variant of Uncertain Significance.

Ambry Genetics
Classification: Uncertain significance for Hereditary cancer-predisposing syndrome. Last evaluated: 2025-06-28. Review status: criteria provided, single submitter. Criteria: Ambry Variant Classification Scheme 2023. Collection method: clinical testing. Allele origin: germline.
Comment: The p.A180T variant (also known as c.538G>A), located in coding exon 5 of the SMARCB1 gene, results from a G to A substitution at nucleotide position 538. The alanine at codon 180 is replaced by threonine, an amino acid with similar properties. This amino acid position is conserved. In addition, this alteration is predicted to be deleterious by in silico analysis. Based on the available evidence, the clinical significance of this variant remains unclear.

NM_003073.5(SMARCB1):c.538G>A (p.Ala180Thr)

Gene: SMARCB1 (SWI/SNF related BAF chromatin remodeling complex subunit B1; plus strand). Cytogenetic location: 22q11.23.
Variant type: single nucleotide variant.
Coding change: c.538G>A on transcript NM_003073.5 (MANE Select); coding-DNA position 538, G replaced by A.
Protein change: p.Ala180Thr; replaces alanine 180 with threonine.
Molecular consequence: missense variant.
Genome position (GRCh38, 1-based): chr22:23,803,332, G>A. VCF-style: chr22-23803332-G-A. GRCh37 (hg19) VCF-style: chr22-24145519-G-A.
Other names: c.538G>A (LRG_520t1); c.511G>A, p.Ala171Thr (NM_001007468.3); c.565G>A, p.Ala189Thr (NM_001317946.2); c.592G>A, p.Ala198Thr (NM_001362877.2); short protein forms A180T, A171T, A198T, A189T.
Identifiers: ClinVar variation 566524 (VCV000566524.11), dbSNP rs1568943183, ClinGen allele CA410935606.